The following is an entry in ClinVar:

NM_001289125.3(IFNAR2):c.611C>G (p.Thr204Arg)

Genes: IFNAR2-IL10RB (IFNAR2-IL10RB readthrough; plus strand), IFNAR2 (interferon alpha and beta receptor subunit 2; plus strand). Cytogenetic location: 21q22.11.
Variant type: single nucleotide variant.
Coding change: c.611C>G on transcript NM_001289125.3 (MANE Select); coding-DNA position 611, C replaced by G.
Protein change: p.Thr204Arg; replaces threonine 204 with arginine.
Molecular consequence: missense variant.
Genome position (GRCh38, 1-based): chr21:33,252,732, C>G. VCF-style: chr21-33252732-C-G. GRCh37 (hg19) VCF-style: chr21-34625037-C-G.
Other names: c.611C>G, p.Thr204Arg (NM_000874.5, NM_001289126.2, NM_001289128.2 and 4 more transcripts); short protein forms T204R.
Identifiers: ClinVar variation 775442 (VCV000775442.34), dbSNP rs147496374, ClinGen allele CA10005725.
Genomic context (GRCh38, chr21:33,252,732, plus strand): 5'-AAATAAAAGGAAACATGAGTGGAAATTTCACCTATATCATTGACAAGTTAATTCCAAACA[C>G]GAACTACTGTGTATCTGTTTATTTAGAGCACAGTGATGAGCAAGCAGTAATAAAGTCTCC-3'
Protein context (NP_001276054.1, residues 194-214): TYIIDKLIPN[Thr204Arg]NYCVSVYLEH

ClinVar aggregate classification (germline): Benign. Review status: criteria provided, multiple submitters, no conflicts (2 of 4 stars). 3 submissions from 3 submitters: Benign (3). Last evaluated 2026-02-02.

Allele frequency attached by ClinVar (database versions not stated): gnomAD 0.00226; ESP Exome Variant Server 0.00284; TOPMed 0.00391; 1000 Genomes Project 30x 0.00468; 1000 Genomes Project 0.00479; gnomAD exomes 0.00493; ExAC 0.00510.

Submissions (3):

Labcorp Genetics (formerly Invitae), Labcorp
Classification: Benign. Last evaluated: 2026-02-02. Review status: criteria provided, single submitter. Criteria: Invitae Variant Classification Sherloc (09022015). Collection method: clinical testing. Allele origin: germline.

CeGaT Center for Human Genetics Tuebingen
Classification: Benign. Last evaluated: 2023-10-01. Review status: criteria provided, single submitter. Criteria: CeGaT Center For Human Genetics Tuebingen Variant Classification Criteria Version 2. Collection method: clinical testing. Allele origin: germline. Affected: yes. Observed: 6 variant alleles.
Comment: IFNAR2: BP4, BS1, BS2

Breakthrough Genomics
Classification: Benign. Review status: criteria provided, single submitter. Criteria: ACMG Guidelines, 2015. Collection method: not provided. Allele origin: germline. Inheritance: Autosomal recessive inheritance. Affected: yes.